The following is an entry in ClinVar:

ClinVar aggregate classification (germline): Uncertain significance (1 of 4 stars; one submission).

Conditions:
Intellectual developmental disorder, autosomal dominant 1. Also called: MBD5 Haploinsufficiency; Intellectual disability, autosomal dominant 1. Identifiers: Orphanet 228402, MedGen C1969562, MONDO:0007974, OMIM 156200.

Submission:

Labcorp Genetics (formerly Invitae), Labcorp
Classification: Uncertain significance for Intellectual developmental disorder, autosomal dominant 1. Last evaluated: 2023-12-22. Review status: criteria provided, single submitter. Criteria: Invitae Variant Classification Sherloc (09022015). Collection method: clinical testing. Allele origin: germline.
Comment: This sequence change replaces proline, which is neutral and non-polar, with serine, which is neutral and polar, at codon 457 of the MBD5 protein (p.Pro457Ser). This variant is not present in population databases (gnomAD no frequency). This variant has not been reported in the literature in individuals affected with MBD5-related conditions. Advanced modeling of protein sequence and biophysical properties (such as structural, functional, and spatial information, amino acid conservation, physicochemical variation, residue mobility, and thermodynamic stability) has been performed at Invitae for this missense variant, however the output from this modeling did not meet the statistical confidence thresholds required to predict the impact of this variant on MBD5 protein function. In summary, the available evidence is currently insufficient to determine the role of this variant in disease. Therefore, it has been classified as a Variant of Uncertain Significance.

NM_001378120.1(MBD5):c.1369C>T (p.Pro457Ser)

Gene: MBD5 (methyl-CpG binding domain protein 5; plus strand). Cytogenetic location: 2q23.1.
Variant type: single nucleotide variant.
Coding change: c.1369C>T on transcript NM_001378120.1 (MANE Select); coding-DNA position 1369, C replaced by T.
Protein change: p.Pro457Ser; replaces proline 457 with serine.
Molecular consequence: missense variant.
Genome position (GRCh38, 1-based): chr2:148,469,312, C>T. VCF-style: chr2-148469312-C-T. GRCh37 (hg19) VCF-style: chr2-149226881-C-T.
Other names: c.1369C>T, p.Pro457Ser (NM_018328.5); short protein forms P457S.
Identifiers: ClinVar variation 2969157 (VCV002969157.3), dbSNP rs1574460260, ClinGen allele CA348719546.